The following is an entry in ClinVar:

NM_017662.5(TRPM6):c.2782C>T (p.Arg928Ter)

Gene: TRPM6 (transient receptor potential cation channel subfamily M member 6; minus strand). Cytogenetic location: 9q21.13.
Variant type: single nucleotide variant.
Coding change: c.2782C>T on transcript NM_017662.5 (MANE Select); coding-DNA position 2782, C replaced by T.
Protein change: p.Arg928Ter; replaces arginine 928 with a stop codon.
Molecular consequence: nonsense.
Genome position (GRCh38, 1-based): chr9:74,786,011, G>A on the plus strand (C>T on the coding strand, the complement: TRPM6 is on the minus strand). VCF-style: chr9-74786011-G-A. GRCh37 (hg19) VCF-style: chr9-77400927-G-A.
Other names: c.2767C>T, p.Arg923Ter (NM_001177310.2, NM_001177311.2); short protein forms R923*, R928*.
Identifiers: ClinVar variation 1526207 (VCV001526207.1), dbSNP rs778418403, ClinGen allele CA5084447.

ClinVar aggregate classification (germline): Pathogenic (1 of 4 stars; one submission).

Conditions:
Intestinal hypomagnesemia 1. Also called: HYPOMAGNESEMIA, INTESTINAL, WITH SECONDARY HYPOCALCEMIA; HYPOMAGNESEMIC TETANY. Identifiers: Orphanet 30924, MedGen C1865974, MONDO:0011176, OMIM 602014.

Allele frequency attached by ClinVar (database versions not stated): ExAC 0.00001; gnomAD exomes 0.00001.
gnomAD v4.1: 4 of 1,614,188 alleles (0.00025%); highest among the groups gnomAD compares: East Asian, 0.0022%; no homozygotes.

Submission:

3billion
Classification: Pathogenic for Intestinal hypomagnesemia 1. Last evaluated: 2022-03-22. Review status: criteria provided, single submitter. Criteria: ACMG Guidelines, 2015. Collection method: clinical testing. Allele origin: germline. Affected: yes. Observed: 1 homozygote.
Comment: Stop-gained (nonsense): predicted to result in a loss or disruption of normal protein function through nonsense-mediated decay (NMD) or protein truncation. Multiple pathogenic variants are reported downstream of the variant. This variant has been reported as pathogenic (PMID:16107578, 3billion dataset).It is observed at an extremely low frequency in the gnomAD v2.1.1 dataset (total allele frequency: 0.0000080). Therefore, this variant is classified as pathogenic according to the recommendation of ACMG/AMP guideline.

Literature cited by the submitters: PubMed 16107578.